The following is an entry in ClinVar:

NM_000400.4(ERCC2):c.1516T>G (p.Ser506Ala)

Gene: ERCC2 (ERCC excision repair 2, TFIIH core complex helicase subunit; minus strand). Cytogenetic location: 19q13.32.
Variant type: single nucleotide variant.
Coding change: c.1516T>G on transcript NM_000400.4 (MANE Select); coding-DNA position 1516, T replaced by G.
Protein change: p.Ser506Ala; replaces serine 506 with alanine.
Molecular consequence: missense variant.
Genome position (GRCh38, 1-based): chr19:45,355,692, A>C on the plus strand (T>G on the coding strand, the complement: ERCC2 is on the minus strand). VCF-style: chr19-45355692-A-C. GRCh37 (hg19) VCF-style: chr19-45858950-A-C.
Other names: short protein forms S506A.
Identifiers: ClinVar variation 1774328 (VCV001774328.2), dbSNP rs2514008422, ClinGen allele CA406365851.

ClinVar aggregate classification (germline): Uncertain significance (1 of 4 stars; one submission).

Conditions:
Inborn genetic diseases. Identifiers: MedGen C0950123, MeSH D030342.

Submission:

Ambry Genetics
Classification: Uncertain significance for Inborn genetic diseases. Last evaluated: 2022-01-18. Review status: criteria provided, single submitter. Criteria: Ambry Variant Classification Scheme 2023. Collection method: clinical testing. Allele origin: germline.
Comment: The p.S506A variant (also known as c.1516T>G), located in coding exon 16 of the ERCC2 gene, results from a T to G substitution at nucleotide position 1516. The serine at codon 506 is replaced by alanine, an amino acid with similar properties. This amino acid position is conserved. In addition, the in silico prediction for this alteration is inconclusive. Since supporting evidence is limited at this time, the clinical significance of this alteration remains unclear.